The following is an entry in ClinVar:

NM_006218.4(PIK3CA):c.476_478del (p.Pro159del)

Gene: PIK3CA (phosphatidylinositol-4,5-bisphosphate 3-kinase catalytic subunit alpha; plus strand). Cytogenetic location: 3q26.32.
Variant type: Deletion.
Coding change: c.476_478del on transcript NM_006218.4 (MANE Select); coding-DNA positions 476 to 478, 3 bases deleted (CTC; older notation c.476_478delCTC).
Protein change: p.Pro159del; deletes proline 159.
Molecular consequence: inframe deletion.
Genome position (GRCh38, 1-based): chr3:179,199,813-179,199,815, CTC deleted; deleting any 3 consecutive bases within chr3:179,199,812-179,199,815 gives the same sequence; the c. name uses the placement nearest the transcript's 3' end. VCF-style (leftmost placement, unchanged base first): chr3-179199811-ACCT-A. GRCh37 (hg19) VCF-style: chr3-178917599-ACCT-A.
Other names: short protein forms P159del.
Identifiers: ClinVar variation 956473 (VCV000956473.10), dbSNP rs1724364548, ClinGen allele CA1139658344.

ClinVar aggregate classification (germline): Uncertain significance (1 of 4 stars; one submission).

Conditions:
Cowden syndrome (CS). Also called: Cowden's disease; Cowden's syndrome; Cowden disease. Identifiers: Orphanet 201, MedGen C0018553, MONDO:0016063. Disease mechanism: gain of function.

Submission:

Labcorp Genetics (formerly Invitae), Labcorp
Classification: Uncertain significance for Cowden syndrome. Last evaluated: 2019-10-29. Review status: criteria provided, single submitter. Criteria: Invitae Variant Classification Sherloc (09022015). Collection method: clinical testing. Allele origin: germline.
Comment: This variant is not present in population databases (ExAC no frequency). This variant, c.476_478delCTC, results in the deletion of 1 amino acid of the PIK3CA protein (p.Pro159del), but otherwise preserves the integrity of the reading frame. In summary, the available evidence is currently insufficient to determine the role of this variant in disease. Therefore, it has been classified as a Variant of Uncertain Significance. Experimental studies and prediction algorithms are not available for this variant, and the functional significance of the deleted amino acid is currently unknown. This variant has not been reported in the literature in individuals with PIK3CA-related disease.